The following is an entry in ClinVar:

ClinVar aggregate classification (germline): Uncertain significance. Review status: criteria provided, multiple submitters, no conflicts (2 of 4 stars). 2 submissions from 2 submitters: Uncertain significance (2). Last evaluated 2025-06-29.

Allele frequency attached by ClinVar (database versions not stated): TOPMed 0.00003; gnomAD exomes 0.00004; ExAC 0.00005; gnomAD 0.00007; ESP Exome Variant Server 0.00008.
gnomAD v4.1: 74 of 1,613,114 alleles (0.0046%); highest among the groups gnomAD compares: Non-Finnish European, 0.0055%; 1 homozygote.

Submissions (2):

Labcorp Genetics (formerly Invitae), Labcorp
Classification: Uncertain significance. Last evaluated: 2025-06-29. Review status: criteria provided, single submitter. Criteria: Invitae Variant Classification Sherloc (09022015). Collection method: clinical testing. Allele origin: germline.
Comment: This sequence change replaces lysine, which is basic and polar, with asparagine, which is neutral and polar, at codon 47 of the ATPAF2 protein (p.Lys47Asn). This variant is present in population databases (rs144924633, gnomAD 0.01%). This variant has not been reported in the literature in individuals affected with ATPAF2-related conditions. ClinVar contains an entry for this variant (Variation ID: 2187399). Invitae Evidence Modeling of protein sequence and biophysical properties (such as structural, functional, and spatial information, amino acid conservation, physicochemical variation, residue mobility, and thermodynamic stability) has been performed for this missense variant. However, the output from this modeling did not meet the statistical confidence thresholds required to predict the impact of this variant on ATPAF2 protein function. Algorithms developed to predict the effect of sequence changes on RNA splicing suggest that this variant may disrupt the consensus splice site. In summary, the available evidence is currently insufficient to determine the role of this variant in disease. Therefore, it has been classified as a Variant of Uncertain Significance.

Ambry Genetics
Classification: Uncertain significance. Last evaluated: 2022-05-25. Review status: criteria provided, single submitter. Criteria: Ambry Variant Classification Scheme 2023. Collection method: clinical testing. Allele origin: germline.

NM_145691.4(ATPAF2):c.141G>T (p.Lys47Asn)

Gene: ATPAF2 (ATP synthase mitochondrial F1 complex assembly factor 2; minus strand). Cytogenetic location: 17p11.2.
Variant type: single nucleotide variant.
Coding change: c.141G>T on transcript NM_145691.4 (MANE Select); coding-DNA position 141, G replaced by T.
Protein change: p.Lys47Asn; replaces lysine 47 with asparagine.
Molecular consequence: missense variant.
Genome position (GRCh38, 1-based): chr17:18,028,652, C>A on the plus strand (G>T on the coding strand, the complement: ATPAF2 is on the minus strand). VCF-style: chr17-18028652-C-A. GRCh37 (hg19) VCF-style: chr17-17931966-C-A.
Other names: c.141G>T (NM_145691.3); short protein forms K47N.
Identifiers: ClinVar variation 2187399 (VCV002187399.5), dbSNP rs144924633, ClinGen allele CA8421978.
Genomic context (GRCh38, chr17:18,028,652, plus strand): 5'-CAGTCAAAATTTCAGACACTCACCTTCACCCTGTGTGATGCTGACATTCTGATAAAACCT[C>A]TTCCTTTCTGTAAGAAAGATTTTTCAAAGAGGCAGTTTAAAATAACGTTGAGACAACTCA-3'
Protein context (NP_663729.1, residues 37-57): ARAYAPPTER[Lys47Asn]RFYQNVSITQ